The following is an entry in ClinVar:

ClinVar aggregate classification (germline): Conflicting classifications of pathogenicity. Review status: criteria provided, conflicting classifications (1 of 4 stars). 8 submissions from 8 submitters: Uncertain significance (3); Likely benign (5). Last evaluated 2025-11-11.

Conditions:
Hypertrophic cardiomyopathy 9. Also called: Familial hypertrophic cardiomyopathy 9. Identifiers: MedGen C1861065, MONDO:0013412, OMIM 613765.
Dilated cardiomyopathy 1G (CMD1G). Identifiers: Orphanet 154, MedGen C1858763, MONDO:0011400, OMIM 604145.
Early-onset myopathy with fatal cardiomyopathy (CMYO5). Also called: Salih Myopathy; CONGENITAL MYOPATHY 5 WITH CARDIOMYOPATHY. Identifiers: Orphanet 289377, MedGen C2673677, MONDO:0012714, OMIM 611705. Disease mechanism: loss of function.
Cardiovascular phenotype. Identifiers: MedGen CN230736.
Autosomal recessive limb-girdle muscular dystrophy type 2J (LGMDR10). Also called: Limb-girdle muscular dystrophy, type 2J; MUSCULAR DYSTROPHY, LIMB-GIRDLE, AUTOSOMAL RECESSIVE 10. Identifiers: Orphanet 140922, MedGen C1837342, MONDO:0012127, OMIM 608807.
TTN-related disorder. Also called: TTN-related condition; TTN-related disease; TTN-related disorders.
Cardiomyopathy (CMYO). Also called: Cardiomyopathies. Identifiers: Orphanet 167848, MedGen C0878544, MONDO:0004994, HP:0001638. Inheritance: Various modes of inheritance.

Allele frequency attached by ClinVar (database versions not stated): gnomAD exomes 0.00004 and 0.00011; ExAC 0.00010; 1000 Genomes Project 30x 0.00016; 1000 Genomes Project 0.00020; ESP Exome Variant Server 0.00032; TOPMed 0.00037; gnomAD 0.00048 and 0.00051.
gnomAD v4.1: 128 of 1,613,240 alleles (0.0079%); highest among the groups gnomAD compares: African/African-American, 0.14%; no homozygotes.

Submissions (8):

PreventionGenetics, part of Exact Sciences
Classification: Likely benign for TTN-related condition. Last evaluated: 2025-11-11. Review status: criteria provided, single submitter. Criteria: ACMG Guidelines, 2015. Collection method: clinical testing. Allele origin: germline.
Comment: This variant is classified as likely benign based on ACMG/AMP sequence variant interpretation guidelines (Richards et al. 2015 PMID: 25741868, with internal and published modifications).

Mayo Clinic Laboratories, Mayo Clinic
Classification: Uncertain significance. Last evaluated: 2025-10-23. Review status: criteria provided, single submitter. Criteria: ACMG Guidelines, 2015. Collection method: clinical testing. Allele origin: germline. Observed: 2 variant alleles.
Comment: BP4_moderate

Blueprint Genetics
Classification: Likely benign. Last evaluated: 2021-12-01. Review status: criteria provided, single submitter. Criteria: ACMG Guidelines, 2015. Collection method: clinical testing. Allele origin: germline.

New York Genome Center
Classification: Uncertain significance for Hypertrophic cardiomyopathy 9; Early-onset myopathy with fatal cardiomyopathy; Dilated cardiomyopathy 1G. Last evaluated: 2019-07-12. Review status: criteria provided, single submitter. Criteria: NYGC Assertion Criteria 2020. Collection method: clinical testing. Allele origin: germline. Observed: 1 heterozygote. Study: CSER-NYCKidSeq.

Ambry Genetics
Classification: Likely benign for Cardiovascular phenotype. Last evaluated: 2019-06-21. Review status: criteria provided, single submitter. Criteria: Ambry Variant Classification Scheme 2023. Collection method: clinical testing. Allele origin: germline.

Labcorp Genetics (formerly Invitae), Labcorp
Classification: Uncertain significance for Dilated cardiomyopathy 1G; Autosomal recessive limb-girdle muscular dystrophy type 2J. Last evaluated: 2018-01-08. Review status: criteria provided, single submitter. Criteria: Invitae Variant Classification Sherloc (09022015). Collection method: clinical testing. Allele origin: germline.

GeneDx
Classification: Likely benign. Last evaluated: 2017-10-11. Review status: criteria provided, single submitter. Criteria: GeneDx Variant Classification (06012015). Collection method: clinical testing. Allele origin: germline. Affected: yes.
Comment: This variant is considered likely benign or benign based on one or more of the following criteria: it is a conservative change, it occurs at a poorly conserved position in the protein, it is predicted to be benign by multiple in silico algorithms, and/or has population frequency not consistent with disease.

Center for Advanced Laboratory Medicine, UC San Diego Health, University of California San Diego
Classification: Likely benign for Cardiomyopathy. Last evaluated: 2017-03-17. Review status: criteria provided, single submitter. Criteria: ACMG Guidelines, 2015. Collection method: clinical testing. Allele origin: germline. Affected: yes. Observed: 2 variant alleles.

NM_001267550.2(TTN):c.57370G>A (p.Val19124Ile)

Genes: TTN (titin; minus strand), TTN-AS1 (TTN antisense RNA 1; plus strand). Cytogenetic location: 2q31.2.
Variant type: single nucleotide variant.
Coding change: c.57370G>A on transcript NM_001267550.2 (MANE Select); coding-DNA position 57370, G replaced by A.
Protein change: p.Val19124Ile; replaces valine 19124 with isoleucine.
Molecular consequence: missense variant.
Genome position (GRCh38, 1-based): chr2:178,597,712, C>T on the plus strand (G>A on the coding strand, the complement: TTN is on the minus strand). VCF-style: chr2-178597712-C-T. GRCh37 (hg19) VCF-style: chr2-179462439-C-T.
Other names: p.Val17483Ile; c.52447G>A, p.Val17483Ile (NM_001256850.1); c.30175G>A, p.Val10059Ile (NM_003319.4); c.49666G>A, p.Val16556Ile (NM_133378.4); c.30550G>A, p.Val10184Ile (NM_133432.3); c.30751G>A, p.Val10251Ile (NM_133437.4); short protein forms V19124I, V17483I, V10059I, V10251I, V10184I, V16556I.
Identifiers: ClinVar variation 467299 (VCV000467299.11), dbSNP rs142841000, ClinGen allele CA1993058.
Genomic context (GRCh38, chr2:178,597,712, plus strand): 5'-TGGCTGTGGTCTCAATGGTGGCTTCTTGAGGTAAGGTTCTTTCATTCATGTTCCAGGTGA[C>T]GGTTGGAGGAGGCTTTCCAGACACATAGGCAATGATTCGGATCACCCCTCCAGCATGGAC-3'
Protein context (NP_001254479.2, residues 19114-19134): AYVSGKPPPT[Val19124Ile]TWNMNERTLP